The following is an entry in ClinVar:

ClinVar aggregate classification (germline): Uncertain significance (0 of 4 stars; one submission).

Conditions:
NFIX-related disorder. Also called: NFIX-related condition.

Submission:

PreventionGenetics, part of Exact Sciences
Classification: Uncertain significance for NFIX-related condition. Last evaluated: 2024-09-12. Review status: no assertion criteria provided. Collection method: clinical testing. Allele origin: germline.
Comment: The NFIX c.51+3dupG variant is predicted to result in an intronic duplication. To our knowledge, this variant has not been reported in the literature or in a large population database, indicating this variant is rare. At this time, the clinical significance of this variant is uncertain due to the absence of conclusive functional and genetic evidence.

NM_001365902.3(NFIX):c.28-334dup

Gene: NFIX (nuclear factor I X; plus strand). Cytogenetic location: 19p13.13.
Variant type: Duplication.
Coding change: c.28-334dup on transcript NM_001365902.3 (MANE Select); 334 bases into the intron before coding-DNA position 28, one base duplicated (G; older notation c.28-334dupG).
Molecular consequence: intron variant. On other transcripts: frameshift variant (1).
Genome position (GRCh38, 1-based): chr19:13,024,687, G duplicated. VCF-style (leftmost placement, unchanged base first): chr19-13024686-T-TG. GRCh37 (hg19) VCF-style: chr19-13135500-T-TG.
Other names: c.43dup, p.Val15fs (NM_001378405.1); c.28-334dup (NM_002501.4, NM_001365982.2); c.4-334dup (NM_001378404.1, NM_001271044.3); c.-115+5dup (NM_001365983.2); c.51+3dup (NM_001271043.2); c.51+3dupG (NM_001271043.2); short protein forms V15fs.
Identifiers: ClinVar variation 3344505 (VCV003344505.1).